The following is an entry in ClinVar:

NM_020207.7(ERCC6L2):c.3245A>G (p.Asn1082Ser)

Gene: ERCC6L2 (ERCC excision repair 6 like 2; plus strand). Cytogenetic location: 9q22.32.
Variant type: single nucleotide variant.
Coding change: c.3245A>G on transcript NM_020207.7 (MANE Select); coding-DNA position 3245, A replaced by G.
Protein change: p.Asn1082Ser; replaces asparagine 1082 with serine.
Molecular consequence: missense variant. On other transcripts: non-coding transcript variant (1).
Genome position (GRCh38, 1-based): chr9:95,972,996, A>G. VCF-style: chr9-95972996-A-G. GRCh37 (hg19) VCF-style: chr9-98735278-A-G.
Other names: c.3245A>G, p.Asn1082Ser (NM_001375291.1, NM_001375292.1, NM_001375293.1 and 1 more transcripts); short protein forms N1082S.
Identifiers: ClinVar variation 1481504 (VCV001481504.8), dbSNP rs765265969, ClinGen allele CA5139875.

ClinVar aggregate classification (germline): Uncertain significance (1 of 4 stars; one submission).

Allele frequency attached by ClinVar (database versions not stated): gnomAD exomes 0.00001 and 0.00003; gnomAD 0.00002; TOPMed 0.00003; ExAC 0.00008.
gnomAD v4.1: 17 of 1,355,882 alleles (0.0013%); highest among the groups gnomAD compares: East Asian, 0.046%; no homozygotes.

Submission:

Labcorp Genetics (formerly Invitae), Labcorp
Classification: Uncertain significance. Last evaluated: 2024-12-05. Review status: criteria provided, single submitter. Criteria: Invitae Variant Classification Sherloc (09022015). Collection method: clinical testing. Allele origin: germline.
Comment: This sequence change replaces asparagine, which is neutral and polar, with serine, which is neutral and polar, at codon 1093 of the ERCC6L2 protein (p.Asn1093Ser). This variant is present in population databases (rs765265969, gnomAD 0.05%). This variant has not been reported in the literature in individuals affected with ERCC6L2-related conditions. ClinVar contains an entry for this variant (Variation ID: 1481504). Experimental studies and prediction algorithms are not available or were not evaluated, and the functional significance of this variant is currently unknown. In summary, the available evidence is currently insufficient to determine the role of this variant in disease. Therefore, it has been classified as a Variant of Uncertain Significance.